The following is an entry in ClinVar:

NM_001111125.3(IQSEC2):c.1648C>G (p.Pro550Ala)

Gene: IQSEC2 (IQ motif and Sec7 domain ArfGEF 2; minus strand). Cytogenetic location: Xp11.22.
Variant type: single nucleotide variant.
Coding change: c.1648C>G on transcript NM_001111125.3 (MANE Select); coding-DNA position 1648, C replaced by G.
Protein change: p.Pro550Ala; replaces proline 550 with alanine.
Molecular consequence: missense variant.
Genome position (GRCh38, 1-based): chrX:53,250,928, G>C on the plus strand (C>G on the coding strand, the complement: IQSEC2 is on the minus strand). VCF-style: chrX-53250928-G-C. GRCh37 (hg19) VCF-style: chrX-53280110-G-C.
Other names: c.1033C>G, p.Pro345Ala (NM_015075.2); short protein forms P345A, P550A.
Identifiers: ClinVar variation 1277139 (VCV001277139.11), dbSNP rs782469479, ClinGen allele CA10420023.

ClinVar aggregate classification (germline): Conflicting classifications of pathogenicity. Review status: criteria provided, conflicting classifications (1 of 4 stars). 3 submissions from 3 submitters: Uncertain significance (1); Benign (1); Likely benign (1). Last evaluated 2025-12-22.

Conditions:
Intellectual developmental disorder, X-linked 1. Also called: Atkin Flaitz Patil Smith syndrome; MENTAL RETARDATION, X-LINKED 18; MENTAL RETARDATION, X-LINKED 78; Intellectual disability, X-linked 1. Identifiers: Orphanet 777, MedGen C2931498, MONDO:0010656, OMIM 309530.
Inborn genetic diseases. Identifiers: MedGen C0950123, MeSH D030342.

Allele frequency attached by ClinVar (database versions not stated): TOPMed 0.00006; ExAC 0.00005; gnomAD exomes 0.00008; gnomAD 0.00010.
gnomAD v4.1: 32 of 1,208,602 alleles (0.0026%); highest among the groups gnomAD compares: Admixed American, 0.057%; no homozygotes.

Submissions (3):

Labcorp Genetics (formerly Invitae), Labcorp
Classification: Likely benign for Intellectual developmental disorder, X-linked 1. Last evaluated: 2025-12-22. Review status: criteria provided, single submitter. Criteria: Invitae Variant Classification Sherloc (09022015). Collection method: clinical testing. Allele origin: germline.

GeneDx
Classification: Benign. Last evaluated: 2020-04-13. Review status: criteria provided, single submitter. Criteria: GeneDx Variant Classification Process June 2021. Collection method: clinical testing. Allele origin: germline. Affected: yes.

Ambry Genetics
Classification: Uncertain significance for Inborn genetic diseases. Last evaluated: 2018-03-10. Review status: criteria provided, single submitter. Criteria: Ambry Variant Classification Scheme 2023. Collection method: clinical testing. Allele origin: germline.
Comment: The p.P550A variant (also known as c.1648C>G), located in coding exon 5 of the IQSEC2 gene, results from a C to G substitution at nucleotide position 1648. The proline at codon 550 is replaced by alanine, an amino acid with highly similar properties. This amino acid position is not well conserved in available vertebrate species. In addition, this alteration is predicted to be tolerated by in silico analysis. Since supporting evidence is limited at this time, the clinical significance of this alteration remains unclear.